The following is an entry in ClinVar:

NM_001378183.1(PIEZO2):c.5884G>A (p.Ala1962Thr)

Gene: PIEZO2 (piezo type mechanosensitive ion channel component 2; minus strand). Cytogenetic location: 18p11.22.
Variant type: single nucleotide variant.
Coding change: c.5884G>A on transcript NM_001378183.1 (MANE Select); coding-DNA position 5884, G replaced by A.
Protein change: p.Ala1962Thr; replaces alanine 1962 with threonine.
Molecular consequence: missense variant.
Genome position (GRCh38, 1-based): chr18:10,705,451, C>T on the plus strand (G>A on the coding strand, the complement: PIEZO2 is on the minus strand). VCF-style: chr18-10705451-C-T. GRCh37 (hg19) VCF-style: chr18-10705449-C-T.
Other names: c.5620G>A, p.Ala1874Thr (NM_001410871.1); c.5545G>A, p.Ala1849Thr (NM_022068.4); short protein forms A1849T, A1874T, A1962T.
Identifiers: ClinVar variation 2814016 (VCV002814016.3), dbSNP rs2510297853, ClinGen allele CA401910451.

ClinVar aggregate classification (germline): Uncertain significance (1 of 4 stars; one submission).

Allele frequency attached by ClinVar (database versions not stated): gnomAD exomes below 0.00001.
gnomAD v4.1: 1 of 1,537,218 alleles (0.000065%); highest among the groups gnomAD compares: Non-Finnish European, 0.000087%; no homozygotes.

Submission:

Labcorp Genetics (formerly Invitae), Labcorp
Classification: Uncertain significance. Last evaluated: 2024-10-22. Review status: criteria provided, single submitter. Criteria: Invitae Variant Classification Sherloc (09022015). Collection method: clinical testing. Allele origin: germline.
Comment: This sequence change replaces alanine, which is neutral and non-polar, with threonine, which is neutral and polar, at codon 1849 of the PIEZO2 protein (p.Ala1849Thr). This variant is not present in population databases (gnomAD no frequency). This variant has not been reported in the literature in individuals affected with PIEZO2-related conditions. Invitae Evidence Modeling of protein sequence and biophysical properties (such as structural, functional, and spatial information, amino acid conservation, physicochemical variation, residue mobility, and thermodynamic stability) indicates that this missense variant is not expected to disrupt PIEZO2 protein function with a negative predictive value of 95%. In summary, the available evidence is currently insufficient to determine the role of this variant in disease. Therefore, it has been classified as a Variant of Uncertain Significance.